The following is an entry in ClinVar:

NM_020232.5(PSMG2):c.370A>G (p.Ser124Gly)

Gene: PSMG2 (proteasome assembly chaperone 2; plus strand). Cytogenetic location: 18p11.21.
Variant type: single nucleotide variant.
Coding change: c.370A>G on transcript NM_020232.5 (MANE Select); coding-DNA position 370, A replaced by G.
Protein change: p.Ser124Gly; replaces serine 124 with glycine.
Molecular consequence: missense variant.
Genome position (GRCh38, 1-based): chr18:12,718,598, A>G. VCF-style: chr18-12718598-A-G. GRCh37 (hg19) VCF-style: chr18-12718597-A-G.
Other names: c.277A>G, p.Ser93Gly (NM_147163.2); short protein forms S124G, S93G.
Identifiers: ClinVar variation 2539641 (VCV002539641.5), dbSNP rs1365836522, ClinGen allele CA401967565.
Genomic context (GRCh38, chr18:12,718,598, plus strand): 5'-GAAAAACTGCTTTCCTGGGTGAAAAGCAGTGGCTGTGCCAGAGTCATTGTTCTTTCAAGC[A>G]GTCATTCATATCAGCGTAATGATCTGCAGCTTCGTAGGTATGTTTCTGCCTCTGGAAAGT-3'
Protein context (NP_064617.2, residues 114-134): GCARVIVLSS[Ser124Gly]HSYQRNDLQL

ClinVar aggregate classification (germline): Uncertain significance. Review status: criteria provided, multiple submitters, no conflicts (2 of 4 stars). 2 submissions from 2 submitters: Uncertain significance (2). Last evaluated 2023-04-20.

Allele frequency attached by ClinVar (database versions not stated): gnomAD exomes below 0.00001.
gnomAD v4.1: 1 of 1,611,114 alleles (0.000062%); highest among the groups gnomAD compares: Non-Finnish European, 0.000085%; no homozygotes.

Submissions (2):

Ambry Genetics
Classification: Uncertain significance. Last evaluated: 2023-04-20. Review status: criteria provided, single submitter. Criteria: Ambry Variant Classification Scheme 2023. Collection method: clinical testing. Allele origin: germline.

Labcorp Genetics (formerly Invitae), Labcorp
Classification: Uncertain significance. Last evaluated: 2023-02-08. Review status: criteria provided, single submitter. Criteria: Invitae Variant Classification Sherloc (09022015). Collection method: clinical testing. Allele origin: germline.
Comment: In summary, the available evidence is currently insufficient to determine the role of this variant in disease. Therefore, it has been classified as a Variant of Uncertain Significance. Algorithms developed to predict the effect of missense changes on protein structure and function are either unavailable or do not agree on the potential impact of this missense change (SIFT: "Tolerated"; PolyPhen-2: "Possibly Damaging"; Align-GVGD: "Class C0"). This variant has not been reported in the literature in individuals affected with PSMG2-related conditions. This variant is present in population databases (no rsID available, gnomAD 0.0009%). This sequence change replaces serine, which is neutral and polar, with glycine, which is neutral and non-polar, at codon 124 of the PSMG2 protein (p.Ser124Gly).